The following is an entry in ClinVar:

NM_002488.5(NDUFA2):c.103G>A (p.Asp35Asn)

Genes: NDUFA2 (NADH:ubiquinone oxidoreductase subunit A2; minus strand), TMCO6 (transmembrane and coiled-coil domains 6; plus strand). Cytogenetic location: 5q31.3.
Variant type: single nucleotide variant.
Coding change: c.103G>A on transcript NM_002488.5 (MANE Select); coding-DNA position 103, G replaced by A.
Protein change: p.Asp35Asn; replaces aspartic acid 35 with asparagine.
Molecular consequence: missense variant. On other transcripts: non-coding transcript variant (1).
Genome position (GRCh38, 1-based): chr5:140,647,361, C>T on the plus strand (G>A on the coding strand, the complement: NDUFA2 is on the minus strand). VCF-style: chr5-140647361-C-T. GRCh37 (hg19) VCF-style: chr5-140026946-C-T.
Other names: c.103G>A, p.Asp35Asn (NM_001185012.2); short protein forms D35N.
Identifiers: ClinVar variation 3906299 (VCV003906299.2).

ClinVar aggregate classification (germline): Conflicting classifications of pathogenicity. Review status: criteria provided, conflicting classifications (1 of 4 stars). 2 submissions from 2 submitters: Uncertain significance (1); Likely benign (1). Last evaluated 2025-04-01.

Conditions:
Inborn genetic diseases. Identifiers: MedGen C0950123, MeSH D030342.

gnomAD v4.1: 65 of 1,610,232 alleles (0.004%); highest among the groups gnomAD compares: Admixed American, 0.04%; no homozygotes.

Submissions (2):

Ambry Genetics
Classification: Likely benign for Inborn genetic diseases. Last evaluated: 2025-04-01. Review status: criteria provided, single submitter. Criteria: Ambry Variant Classification Scheme 2023. Collection method: clinical testing. Allele origin: germline.

GeneDx
Classification: Uncertain significance. Last evaluated: 2024-12-20. Review status: criteria provided, single submitter. Criteria: GeneDx Variant Classification Process June 2021. Collection method: clinical testing. Allele origin: germline. Affected: yes.
Comment: In silico analysis supports that this missense variant has a deleterious effect on protein structure/function; Has not been previously published as pathogenic or benign to our knowledge